The following is an entry in ClinVar:

ClinVar aggregate classification (germline): Conflicting classifications of pathogenicity. Review status: criteria provided, conflicting classifications (1 of 4 stars). 2 submissions from 2 submitters: Uncertain significance (1); Likely benign (1). Last evaluated 2024-12-02.

Allele frequency attached by ClinVar (database versions not stated): gnomAD exomes below 0.00001; ExAC 0.00001; gnomAD 0.00001.
gnomAD v4.1: 4 of 1,613,986 alleles (0.00025%); highest among the groups gnomAD compares: African/African-American, 0.0013%; no homozygotes.

Submissions (2):

Labcorp Genetics (formerly Invitae), Labcorp
Classification: Uncertain significance. Last evaluated: 2024-12-02. Review status: criteria provided, single submitter. Criteria: Invitae Variant Classification Sherloc (09022015). Collection method: clinical testing. Allele origin: germline.
Comment: This sequence change replaces threonine, which is neutral and polar, with methionine, which is neutral and non-polar, at codon 550 of the SORL1 protein (p.Thr550Met). This variant is present in population databases (rs202115147, gnomAD 0.004%). This variant has not been reported in the literature in individuals affected with SORL1-related conditions. ClinVar contains an entry for this variant (Variation ID: 2285778). An algorithm developed to predict the effect of missense changes on protein structure and function outputs the following: PolyPhen-2: "Benign". The methionine amino acid residue is found in multiple mammalian species, which suggests that this missense change does not adversely affect protein function. In summary, the available evidence is currently insufficient to determine the role of this variant in disease. Therefore, it has been classified as a Variant of Uncertain Significance.

Ambry Genetics
Classification: Likely benign. Last evaluated: 2022-04-25. Review status: criteria provided, single submitter. Criteria: Ambry Variant Classification Scheme 2023. Collection method: clinical testing. Allele origin: germline.

NM_003105.6(SORL1):c.1649C>T (p.Thr550Met)

Gene: SORL1 (sortilin related receptor 1; plus strand). Cytogenetic location: 11q24.1.
Variant type: single nucleotide variant.
Coding change: c.1649C>T on transcript NM_003105.6 (MANE Select); coding-DNA position 1649, C replaced by T.
Protein change: p.Thr550Met; replaces threonine 550 with methionine.
Molecular consequence: missense variant.
Genome position (GRCh38, 1-based): chr11:121,532,516, C>T. VCF-style: chr11-121532516-C-T. GRCh37 (hg19) VCF-style: chr11-121403225-C-T.
Other names: short protein forms T550M.
Identifiers: ClinVar variation 2285778 (VCV002285778.5), dbSNP rs202115147, ClinGen allele CA6328696.